The following is an entry in ClinVar:

NM_024334.3(TMEM43):c.66_67insGCCGGGCGCGGTGGCTCACGCCTGTAATCCCAGCACTTTGGGAGGCCGAGGCGGGCGGATCACGAGGTCAGNNNNNNNNNNAAAAAAAAAAAAAAAAAAAAAAAACCAGCTCCCAG (p.Pro23delinsAlaGlyArgGlyGlySerArgLeuTer)

Gene: TMEM43 (transmembrane protein 43; plus strand). Cytogenetic location: 3p25.1.
Variant type: Microsatellite.
Coding change: c.66_67insGCCGGGCGCGGTGGCTCACGCCTGTAATCCCAGCACTTTGGGAGGCCGAGGCGGGCGGATCACGAGGTCAGNNNNNNNNNNAAAAAAAAAAAAAAAAAAAAAAAACCAGCTCCCAG on transcript NM_024334.3 (MANE Select); coding-DNA positions 66 to 67, GCCGGGCGCGGTGGCTCACGCCTGTAATCCCAGCACTTTGGGAGGCCGAGGCGGGCGGATCACGAGGTCAGNNNNNNNNNNAAAAAAAAAAAAAAAAAAAAAAAACCAGCTCCCAG inserted.
Protein change: p.Pro23delinsAlaGlyArgGlyGlySerArgLeuTer.
Molecular consequence: nonsense.
Genome position: GRCh38: chr3:14,129,451-14,129,465. GRCh37 (hg19): chr3:14,170,951-14,170,965.
Identifiers: ClinVar variation 1379055 (VCV001379055.6).

ClinVar aggregate classification (germline): Uncertain significance (1 of 4 stars; one submission).

Conditions:
Arrhythmogenic right ventricular dysplasia 5. Also called: Arrhythmogenic Right Ventricular Dysplasia/Cardiomyopathy 5; ARRHYTHMOGENIC RIGHT VENTRICULAR DYSPLASIA, FAMILIAL, 5. Identifiers: MedGen C1858379, MONDO:0011459, OMIM 604400.

Submission:

Labcorp Genetics (formerly Invitae), Labcorp
Classification: Uncertain significance for Arrhythmogenic right ventricular dysplasia 5. Last evaluated: 2021-09-01. Review status: criteria provided, single submitter. Criteria: Invitae Variant Classification Sherloc (09022015). Collection method: clinical testing. Allele origin: germline.
Comment: Retrotransposon insertions including LINE1 (L1), Alu, and SVA (SINE-VNTR-Alu) have been reported to disrupt protein function (PMID: 19763152, 20307669, 22406018). However the effect of this particular variant is unknown. Algorithms developed to predict the effect of sequence changes on RNA splicing suggest that this variant may create or strengthen a splice site. This variant has not been reported in the literature in individuals affected with TMEM43-related conditions. This variant is not present in population databases (ExAC no frequency). This sequence change inserts a large fragment of DNA, likely a transposable element, in exon 2 of the TMEM43 gene (c.66_67ins?), causing a frameshift at codon 23 (p.Pro23fs). The exact size and sequence of the insertion cannot be determined by the current assay. However, the insertion is expected to result in an absent or disrupted protein product. In summary, the available evidence is currently insufficient to determine the role of this variant in disease. Therefore, it has been classified as a Variant of Uncertain Significance.

Literature cited by the submitters: PubMed 19763152; PubMed 20307669; PubMed 22406018.